The following is an entry in ClinVar:

NM_000321.3(RB1):c.1144A>G (p.Ile382Val)

Gene: RB1 (RB transcriptional corepressor 1; plus strand). Cytogenetic location: 13q14.2.
Variant type: single nucleotide variant.
Coding change: c.1144A>G on transcript NM_000321.3 (MANE Select); coding-DNA position 1144, A replaced by G.
Protein change: p.Ile382Val; replaces isoleucine 382 with valine.
Molecular consequence: missense variant.
Genome position (GRCh38, 1-based): chr13:48,373,421, A>G. VCF-style: chr13-48373421-A-G. GRCh37 (hg19) VCF-style: chr13-48947557-A-G.
Other names: short protein forms I382V.
Identifiers: ClinVar variation 939052 (VCV000939052.10), dbSNP rs1286489738, ClinGen allele CA388161462.
Genomic context (GRCh38, chr13:48,373,421, plus strand): 5'-TCCCTTCATTGCTTAACACATTTTCCTATTTTTATCCCCTCTAGGACTGTTATGAACACT[A>G]TCCAACAATTAATGATGATTTTAAATTCAGCAAGTGATCAACCTTCAGAAAATCTGATTT-3'
Protein context (NP_000312.2, residues 372-392): HTPVRTVMNT[Ile382Val]QQLMMILNSA

ClinVar aggregate classification (germline): Uncertain significance. Review status: criteria provided, multiple submitters, no conflicts (2 of 4 stars). 2 submissions from 2 submitters: Uncertain significance (2). Last evaluated 2025-09-22.

Conditions:
Hereditary cancer-predisposing syndrome. Also called: Hereditary neoplastic syndrome; Neoplastic Syndromes, Hereditary; Tumor predisposition; Hereditary Cancer Syndrome. Identifiers: Orphanet 140162, MedGen C0027672, MeSH D009386, MONDO:0015356.
Retinoblastoma (RB1). Also called: RETINOBLASTOMA, SOMATIC. Identifiers: Orphanet 790, MedGen C0035335, MeSH D012175, MONDO:0008380, OMIM 180200, HP:0009919. Disease mechanism: loss of function. Inheritance: Both sporadic and heritable forms are tested..

Allele frequency attached by ClinVar (database versions not stated): TOPMed below 0.00001; gnomAD 0.00001; gnomAD exomes 0.00001.
gnomAD v4.1: 17 of 1,593,874 alleles (0.0011%); highest among the groups gnomAD compares: Non-Finnish European, 0.0013%; no homozygotes.

Submissions (2):

Labcorp Genetics (formerly Invitae), Labcorp
Classification: Uncertain significance for Retinoblastoma. Last evaluated: 2025-09-22. Review status: criteria provided, single submitter. Criteria: Invitae Variant Classification Sherloc (09022015). Collection method: clinical testing. Allele origin: germline.
Comment: This sequence change replaces isoleucine, which is neutral and non-polar, with valine, which is neutral and non-polar, at codon 382 of the RB1 protein (p.Ile382Val). This variant is not present in population databases (gnomAD no frequency). This variant has not been reported in the literature in individuals affected with RB1-related conditions. ClinVar contains an entry for this variant (Variation ID: 939052). Invitae Evidence Modeling of protein sequence and biophysical properties (such as structural, functional, and spatial information, amino acid conservation, physicochemical variation, residue mobility, and thermodynamic stability) indicates that this missense variant is not expected to disrupt RB1 protein function with a negative predictive value of 80%. In summary, the available evidence is currently insufficient to determine the role of this variant in disease. Therefore, it has been classified as a Variant of Uncertain Significance.

Ambry Genetics
Classification: Uncertain significance for Hereditary cancer-predisposing syndrome. Last evaluated: 2023-08-04. Review status: criteria provided, single submitter. Criteria: Ambry Variant Classification Scheme 2023. Collection method: clinical testing. Allele origin: germline.
Comment: The p.I382V variant (also known as c.1144A>G), located in coding exon 12 of the RB1 gene, results from an A to G substitution at nucleotide position 1144. The isoleucine at codon 382 is replaced by valine, an amino acid with highly similar properties. This amino acid position is highly conserved in available vertebrate species. In addition, the in silico prediction for this alteration is inconclusive. Since supporting evidence is limited at this time, the clinical significance of this alteration remains unclear.